The following is an entry in ClinVar:

NM_001370259.2(MEN1):c.175C>T (p.Pro59Ser)

Gene: MEN1 (menin 1; minus strand). Cytogenetic location: 11q13.1.
Variant type: single nucleotide variant.
Coding change: c.175C>T on transcript NM_001370259.2 (MANE Select); coding-DNA position 175, C replaced by T.
Protein change: p.Pro59Ser; replaces proline 59 with serine.
Molecular consequence: missense variant.
Genome position (GRCh38, 1-based): chr11:64,809,935, G>A on the plus strand (C>T on the coding strand, the complement: MEN1 is on the minus strand). VCF-style: chr11-64809935-G-A. GRCh37 (hg19) VCF-style: chr11-64577407-G-A.
Other names: c.175C>T, p.Pro59Ser (NM_000244.4, NM_001370251.2, NM_001370260.2 and 9 more transcripts); short protein forms P59S.
Identifiers: ClinVar variation 819999 (VCV000819999.13), dbSNP rs1352823623, ClinGen allele CA381187713.

ClinVar aggregate classification (germline): Uncertain significance. Review status: criteria provided, multiple submitters, no conflicts (2 of 4 stars). 2 submissions from 2 submitters: Uncertain significance (2). Last evaluated 2025-04-10.

Conditions:
Multiple endocrine neoplasia, type 1 (MEN1). Also called: MEN I; WERMER SYNDROME; Endocrine adenomatosis multiple; MEN 1; MEA I. Identifiers: Orphanet 652, MedGen C0025267, MeSH D018761, MONDO:0007540, OMIM 131100.
Hereditary cancer-predisposing syndrome. Also called: Hereditary Cancer Syndrome; Neoplastic Syndromes, Hereditary; Hereditary neoplastic syndrome; Tumor predisposition. Identifiers: Orphanet 140162, MedGen C0027672, MeSH D009386, MONDO:0015356.

Allele frequency attached by ClinVar (database versions not stated): TOPMed below 0.00001; gnomAD exomes 0.00001.
gnomAD v4.1: 4 of 1,584,916 alleles (0.00025%); highest among the groups gnomAD compares: Non-Finnish European, 0.00034%; no homozygotes.

Submissions (2):

Ambry Genetics
Classification: Uncertain significance for Hereditary cancer-predisposing syndrome. Last evaluated: 2025-04-10. Review status: criteria provided, single submitter. Criteria: Ambry Variant Classification Scheme 2023. Collection method: clinical testing. Allele origin: germline.
Comment: The p.P59S variant (also known as c.175C>T), located in coding exon 1 of the MEN1 gene, results from a C to T substitution at nucleotide position 175. The proline at codon 59 is replaced by serine, an amino acid with similar properties. This amino acid position is highly conserved in available vertebrate species. In addition, this alteration is predicted to be deleterious by in silico analysis. Since supporting evidence is limited at this time, the clinical significance of this alteration remains unclear.

Labcorp Genetics (formerly Invitae), Labcorp
Classification: Uncertain significance for Multiple endocrine neoplasia, type 1. Last evaluated: 2025-01-20. Review status: criteria provided, single submitter. Criteria: Invitae Variant Classification Sherloc (09022015). Collection method: clinical testing. Allele origin: germline.
Comment: This sequence change replaces proline, which is neutral and non-polar, with serine, which is neutral and polar, at codon 59 of the MEN1 protein (p.Pro59Ser). This variant is not present in population databases (gnomAD no frequency). This variant has not been reported in the literature in individuals affected with MEN1-related conditions. ClinVar contains an entry for this variant (Variation ID: 819999). Invitae Evidence Modeling of protein sequence and biophysical properties (such as structural, functional, and spatial information, amino acid conservation, physicochemical variation, residue mobility, and thermodynamic stability) indicates that this missense variant is not expected to disrupt MEN1 protein function with a negative predictive value of 95%. In summary, the available evidence is currently insufficient to determine the role of this variant in disease. Therefore, it has been classified as a Variant of Uncertain Significance.